The following is an entry in ClinVar:

NM_007294.4(BRCA1):c.134+2999del

Gene: BRCA1 (BRCA1 DNA repair associated; minus strand). Cytogenetic location: 17q21.31.
Variant type: Deletion.
Coding change: c.134+2999del on transcript NM_007294.4 (MANE Select); 2999 bases into the intron after coding-DNA position 134, one base deleted (A; older notation c.134+2999delA).
Molecular consequence: intron variant.
Genome position (GRCh38, 1-based): chr17:43,112,727, T deleted on the plus strand (A on the coding strand, the reverse complement: BRCA1 is on the minus strand). VCF-style (leftmost placement, unchanged base first): chr17-43112726-CT-C. GRCh37 (hg19) VCF-style: chr17-41264743-CT-C.
Other names: c.-55+2999del (NM_001407916.1, NM_001407895.1, NM_001407853.1 and 52 more transcripts); c.134+2999del (NM_001407646.1, NM_001408445.1, NM_001408432.1 and 191 more transcripts); c.-285-2147del (NM_001407965.1); c.-123-2147del (NM_001407930.1, NM_001407843.1, NM_001408456.1 and 13 more transcripts); c.-127-2143del (NM_001408465.1); c.-8+2999del (NM_001407920.1, NM_001408504.1, NM_001408463.1 and 47 more transcripts); c.-7-6194del (NM_001407751.1, NM_001407931.1, NM_001407747.1 and 30 more transcripts); c.-170-2147del (NM_001407900.1, NM_001408492.1); and 9 more.
Identifiers: ClinVar variation 264780 (VCV000264780.2), dbSNP rs374842106, ClinGen allele CA10588247.
Genomic context (GRCh38, chr17:43,112,726, plus strand): 5'-ATATGTATACACACACATATATCTTTATGACTGGTTCTTTCCTGACTATCACAATCCTGA[CT>C]ATCACAAGCTTGAAACCAAGCTTCTCACTCTTCTCCAGTTGCCAACTCTAATCCTCTCAA-3'

ClinVar aggregate classification (germline): Benign (3 of 4 stars; one submission).

Conditions:
Breast-ovarian cancer, familial, susceptibility to, 1 (BROVCA1). Also called: BRCA1 Hereditary Breast and Ovarian Cancer; OVARIAN CANCER, SUSCEPTIBILITY TO. Identifiers: Orphanet 145, MedGen C2676676, MONDO:0011450, OMIM 604370. Disease mechanism: loss of function.

Allele frequency attached by ClinVar (database versions not stated): gnomAD exomes 0.42857; gnomAD 0.44813 and 0.45065; 1000 Genomes Project 0.49481; 1000 Genomes Project 30x 0.50156.

Submission:

Evidence-based Network for the Interpretation of Germline Mutant Alleles (ENIGMA)
Classification: Benign for Breast-ovarian cancer, familial, susceptibility to, 1. Last evaluated: 2016-09-28. Review status: reviewed by expert panel. Criteria: ENIGMA BRCA1/2 Classification Criteria (2015). Collection method: curation. Allele origin: germline.
Comment: Class 1 not pathogenic based on frequency >1% in an outbred sampleset. Frequency 0.3598 (European), 0.7262 (African), 0.3977 (Admixed American/Latino), 0.3661 (East Asian), 0.5225 (South Asian), derived from 1000 genomes (2013-05-02).